The following is an entry in ClinVar:

NM_001204.7(BMPR2):c.1126G>T (p.Glu376Ter)

Gene: BMPR2 (bone morphogenetic protein receptor type 2; plus strand). Cytogenetic location: 2q33.2.
Variant type: single nucleotide variant.
Coding change: c.1126G>T on transcript NM_001204.7 (MANE Select); coding-DNA position 1126, G replaced by T.
Protein change: p.Glu376Ter; replaces glutamic acid 376 with a stop codon.
Molecular consequence: nonsense.
Genome position (GRCh38, 1-based): chr2:202,530,952, G>T. VCF-style: chr2-202530952-G-T. GRCh37 (hg19) VCF-style: chr2-203395675-G-T.
Other names: NM_001204.7(BMPR2):c.1126G>T; p.Glu376Ter; c.1126G>T, p.E376* (LRG_712t1); short protein forms E376*.
Identifiers: ClinVar variation 425876 (VCV000425876.6), dbSNP rs1085307301, ClinGen allele CA350341605.

ClinVar aggregate classification (germline): Pathogenic. Review status: reviewed by expert panel (3 of 4 stars). 3 submissions from 3 submitters: Pathogenic (1). 2 of the submissions do not count toward it. Last evaluated 2024-09-20.

Conditions:
Pulmonary arterial hypertension. Identifiers: Orphanet 182090, MedGen C2973725, MeSH D000081029, MONDO:0015924, HP:0002092.
Pulmonary hypertension, primary, 1 (PPH1). Also called: Pulmonary hypertension, familial primary, 1, with or without HHT. Identifiers: Orphanet 422, MedGen C4552070, MONDO:0024533, OMIM 178600.
Idiopathic and/or familial pulmonary arterial hypertension. Identifiers: Orphanet 422, MedGen C5679820, MONDO:0008347.

Submissions (3):

Clingen Pulmonary Hypertension Variant Curation Expert Panel, ClinGen
Classification: Pathogenic for Pulmonary arterial hypertension. Last evaluated: 2024-09-20. Review status: reviewed by expert panel. Criteria: ClinGen PH ACMG Specifications BMPR2 V1.1.0. Collection method: curation. Allele origin: germline. Inheritance: Autosomal dominant inheritance.
Comment: BMPR2 c.1126G>T (p.Glu376Ter) variant is predicted to cause premature stop at residue 376, in exon 8, and lead to nonsense mediated decay. The variant is absent from gnomAD v2.1.1 and v4.1 (PM2_supporting met) and was identified in two unrelated idiopathic PAH probands (PMID: 26387786 and PMID: 31727138) (PS4_supporting met). In summary, the variant meets the criteria to be classified as pathogenic for pulmonary arterial hypertension based on the ACMG/AMP criteria applied, as specified by the ClinGen Pulmonary Hypertension VCEP: PVS1, PM2_supporting, PS4_supporting (VCEP specification version 1.1, 1/18/2024).

Rare Disease Genomics Group, St George's University of London
Classification: Pathogenic for Primary pulmonary hypertension. Review status: no assertion criteria provided. Collection method: literature only. Allele origin: germline. Affected: yes. Not counted in ClinVar's aggregate classification.

Wendy Chung Laboratory, Boston Children's Hospital
No classification provided. Condition: Idiopathic and/or familial pulmonary arterial hypertension. Review status: no classification provided. Collection method: literature only. Allele origin: germline. Affected: yes. Not counted in ClinVar's aggregate classification.

Literature cited by the submitters: PubMed 26387786 (cited by Rare Disease Genomics Group, St George's University of London); PubMed 31727138 (cited by Wendy Chung Laboratory, Boston Children's Hospital).